The following is an entry in ClinVar:

NM_003611.3(OFD1):c.1424C>T (p.Pro475Leu)

Gene: OFD1 (OFD1 centriole and centriolar satellite protein; plus strand). Cytogenetic location: Xp22.2.
Variant type: single nucleotide variant.
Coding change: c.1424C>T on transcript NM_003611.3 (MANE Select); coding-DNA position 1424, C replaced by T.
Protein change: p.Pro475Leu; replaces proline 475 with leucine.
Molecular consequence: missense variant.
Genome position (GRCh38, 1-based): chrX:13,757,672, C>T. VCF-style: chrX-13757672-C-T. GRCh37 (hg19) VCF-style: chrX-13775791-C-T.
Other names: c.1424C>T (NM_003611.2); c.1304C>T, p.Pro435Leu (NM_001330209.2); c.1004C>T, p.Pro335Leu (NM_001330210.2); short protein forms P335L, P435L, P475L.
Identifiers: ClinVar variation 2582566 (VCV002582566.3), dbSNP rs779976015, ClinGen allele CA10351822.

ClinVar aggregate classification (germline): Uncertain significance. Review status: criteria provided, multiple submitters, no conflicts (2 of 4 stars). 3 submissions from 3 submitters: Uncertain significance (3). Last evaluated 2025-08-25.

Conditions:
Joubert syndrome. Also called: CEREBELLOPARENCHYMAL DISORDER IV; JOUBERT-BOLTSHAUSER SYNDROME; Familial aplasia of the vermis. Identifiers: Orphanet 475, MedGen C5979921, MONDO:0018772.
Orofaciodigital syndrome I (OFD1). Also called: OFDS I; Papillon-Leage and Psaume Syndrome; Oral-Facial-Digital Syndrome Type I. Identifiers: Orphanet 2750, MedGen C1510460, MONDO:0010702, OMIM 311200.
Simpson-Golabi-Behmel syndrome type 2. Identifiers: Orphanet 79022, MedGen C1846175, MONDO:0010265, OMIM 300209.

Allele frequency attached by ClinVar (database versions not stated): gnomAD exomes below 0.00001; ExAC 0.00002.
gnomAD v4.1: 3 of 1,208,526 alleles (0.00025%); highest among the groups gnomAD compares: East Asian, 0.003%; no homozygotes.

Submissions (3):

Labcorp Genetics (formerly Invitae), Labcorp
Classification: Uncertain significance for Orofaciodigital syndrome I; Joubert syndrome. Last evaluated: 2025-08-25. Review status: criteria provided, single submitter. Criteria: Invitae Variant Classification Sherloc (09022015). Collection method: clinical testing. Allele origin: germline.
Comment: This sequence change replaces proline, which is neutral and non-polar, with leucine, which is neutral and non-polar, at codon 475 of the OFD1 protein (p.Pro475Leu). The frequency data for this variant in the population databases is considered unreliable, as metrics indicate poor data quality at this position in the gnomAD database. This variant has not been reported in the literature in individuals affected with OFD1-related conditions. ClinVar contains an entry for this variant (Variation ID: 2582566). Invitae Evidence Modeling of protein sequence and biophysical properties (such as structural, functional, and spatial information, amino acid conservation, physicochemical variation, residue mobility, and thermodynamic stability) indicates that this missense variant is expected to disrupt OFD1 protein function with a positive predictive value of 80%. In summary, the available evidence is currently insufficient to determine the role of this variant in disease. Therefore, it has been classified as a Variant of Uncertain Significance.

GeneDx
Classification: Uncertain significance. Last evaluated: 2023-12-15. Review status: criteria provided, single submitter. Criteria: GeneDx Variant Classification Process June 2021. Collection method: clinical testing. Allele origin: germline. Affected: yes.
Comment: In silico analysis supports that this missense variant has a deleterious effect on protein structure/function; Has not been previously published as pathogenic or benign to our knowledge

Baylor Genetics
Classification: Uncertain significance for Simpson-Golabi-Behmel syndrome type 2. Last evaluated: 2023-02-15. Review status: criteria provided, single submitter. Criteria: ACMG Guidelines, 2015. Collection method: clinical testing. Allele origin: unknown.